The following is an entry in ClinVar:

ClinVar aggregate classification (germline): Uncertain significance (1 of 4 stars; one submission).

Submission:

Ambry Genetics
Classification: Uncertain significance. Last evaluated: 2021-12-23. Review status: criteria provided, single submitter. Criteria: Ambry Variant Classification Scheme 2023. Collection method: clinical testing. Allele origin: germline.
Comment: The p.L308F variant (also known as c.924G>T), located in coding exon 10 of the PRKDC gene, results from a G to T substitution at nucleotide position 924. The leucine at codon 308 is replaced by phenylalanine, an amino acid with highly similar properties. This amino acid position is conserved. In addition, this alteration is predicted to be tolerated by in silico analysis. Since supporting evidence is limited at this time, the clinical significance of this alteration remains unclear.

NM_006904.7(PRKDC):c.924G>T (p.Leu308Phe)

Gene: PRKDC (protein kinase, DNA-activated, catalytic subunit; minus strand). Cytogenetic location: 8q11.21.
Variant type: single nucleotide variant.
Coding change: c.924G>T on transcript NM_006904.7 (MANE Select); coding-DNA position 924, G replaced by T.
Protein change: p.Leu308Phe; replaces leucine 308 with phenylalanine.
Molecular consequence: missense variant.
Genome position (GRCh38, 1-based): chr8:47,943,251, C>A on the plus strand (G>T on the coding strand, the complement: PRKDC is on the minus strand). VCF-style: chr8-47943251-C-A. GRCh37 (hg19) VCF-style: chr8-48855811-C-A.
Other names: c.924G>T, p.Leu308Phe (NM_001081640.2); short protein forms L308F.
Identifiers: ClinVar variation 1766328 (VCV001766328.2), dbSNP rs770392874, ClinGen allele CA371136074.